The following is an entry in ClinVar:

ClinVar aggregate classification (germline): Likely benign. Review status: criteria provided, multiple submitters, no conflicts (2 of 4 stars). 2 submissions from 2 submitters: Likely benign (2). Last evaluated 2025-10-12.

Allele frequency attached by ClinVar (database versions not stated): ExAC 0.00002; gnomAD exomes 0.00002 and 0.00001; gnomAD 0.00001; TOPMed 0.00002; 1000 Genomes Project 0.00020; 1000 Genomes Project 30x 0.00031.
gnomAD v4.1: 14 of 1,614,128 alleles (0.00087%); highest among the groups gnomAD compares: East Asian, 0.011%; no homozygotes.

Submissions (2):

Labcorp Genetics (formerly Invitae), Labcorp
Classification: Likely benign. Last evaluated: 2025-10-12. Review status: criteria provided, single submitter. Criteria: Invitae Variant Classification Sherloc (09022015). Collection method: clinical testing. Allele origin: germline.

Laboratory for Molecular Medicine, Mass General Brigham Personalized Medicine
Classification: Likely benign. Last evaluated: 2016-02-09. Review status: criteria provided, single submitter. Criteria: LMM Criteria. Collection method: clinical testing. Allele origin: germline. Observed: 1 variant allele.
Comment: p.Leu257Leu in exon 2 of MARVELD2: This variant is not expected to have clinical significance because it does not alter an amino acid residue and is not located within the splice consensus sequence. It has been identified in 2/8654 East Asi an chromosomes by the Exome Aggregation Consortium (ExAC; dbSNP rs571015098).

NM_001038603.3(MARVELD2):c.771C>T (p.Leu257=)

Gene: MARVELD2 (MARVEL domain containing 2; plus strand). Cytogenetic location: 5q13.2.
Variant type: single nucleotide variant.
Coding change: c.771C>T on transcript NM_001038603.3 (MANE Select); coding-DNA position 771, C replaced by T.
Protein change: p.Leu257=; no amino-acid change (leucine 257 retained).
Molecular consequence: synonymous variant.
Genome position (GRCh38, 1-based): chr5:69,420,156, C>T. VCF-style: chr5-69420156-C-T. GRCh37 (hg19) VCF-style: chr5-68715983-C-T.
Other names: c.771C>T, p.Leu257= (NM_001244734.2).
Identifiers: ClinVar variation 227544 (VCV000227544.5), dbSNP rs571015098, ClinGen allele CA3294108.